The following is an entry in ClinVar:

ClinVar aggregate classification (germline): Uncertain significance. Review status: criteria provided, multiple submitters, no conflicts (2 of 4 stars). 2 submissions from 2 submitters: Uncertain significance (2). Last evaluated 2026-04-12.

Conditions:
Primary ciliary dyskinesia. Also called: Ciliary dyskinesia. Identifiers: Orphanet 244, MedGen C0008780, MONDO:0016575, HP:0012265.
Primary ciliary dyskinesia 28. Also called: CILIARY DYSKINESIA, PRIMARY, 28, WITH OR WITHOUT SITUS INVERSUS. Identifiers: Orphanet 244, MedGen C3809706, MONDO:0014216, OMIM 615505.

Allele frequency attached by ClinVar (database versions not stated): gnomAD 0.00001; gnomAD exomes 0.00002 and 0.00011; TOPMed 0.00003.
gnomAD v4.1: 13 of 1,451,128 alleles (0.0009%); highest among the groups gnomAD compares: Admixed American, 0.033%; no homozygotes.

Submissions (2):

Ambry Genetics
Classification: Uncertain significance for Primary ciliary dyskinesia. Last evaluated: 2026-04-12. Review status: criteria provided, single submitter. Criteria: Ambry Variant Classification Scheme 2023. Collection method: clinical testing. Allele origin: germline.
Comment: The p.S458I variant (also known as c.1373G>T), located in coding exon 10 of the SPAG1 gene, results from a G to T substitution at nucleotide position 1373. The serine at codon 458 is replaced by isoleucine, an amino acid with dissimilar properties. This amino acid position is conserved. In addition, this alteration is predicted to be tolerated by in silico analysis. Based on the available evidence, the clinical significance of this variant remains unclear.

Labcorp Genetics (formerly Invitae), Labcorp
Classification: Uncertain significance for Primary ciliary dyskinesia 28. Last evaluated: 2025-02-27. Review status: criteria provided, single submitter. Criteria: Invitae Variant Classification Sherloc (09022015). Collection method: clinical testing. Allele origin: germline.
Comment: This sequence change replaces serine, which is neutral and polar, with isoleucine, which is neutral and non-polar, at codon 458 of the SPAG1 protein (p.Ser458Ile). The frequency data for this variant in the population databases is considered unreliable, as metrics indicate poor data quality at this position in the gnomAD database. This variant has not been reported in the literature in individuals affected with SPAG1-related conditions. ClinVar contains an entry for this variant (Variation ID: 945477). Invitae Evidence Modeling of protein sequence and biophysical properties (such as structural, functional, and spatial information, amino acid conservation, physicochemical variation, residue mobility, and thermodynamic stability) indicates that this missense variant is not expected to disrupt SPAG1 protein function with a negative predictive value of 80%. In summary, the available evidence is currently insufficient to determine the role of this variant in disease. Therefore, it has been classified as a Variant of Uncertain Significance.

NM_003114.5(SPAG1):c.1373G>T (p.Ser458Ile)

Genes: SPAG1 (sperm associated antigen 1; plus strand), LOC130000832 (ATAC-STARR-seq lymphoblastoid silent region 19412; plus strand). Cytogenetic location: 8q22.2.
Variant type: single nucleotide variant.
Coding change: c.1373G>T on transcript NM_003114.5 (MANE Select); coding-DNA position 1373, G replaced by T.
Protein change: p.Ser458Ile; replaces serine 458 with isoleucine.
Molecular consequence: missense variant.
Genome position (GRCh38, 1-based): chr8:100,213,366, G>T. VCF-style: chr8-100213366-G-T. GRCh37 (hg19) VCF-style: chr8-101225594-G-T.
Other names: c.1373G>T, p.Ser458Ile (NM_001374321.1, NM_172218.3); short protein forms S458I.
Identifiers: ClinVar variation 945477 (VCV000945477.10), dbSNP rs1350224788, ClinGen allele CA371809502.
Genomic context (GRCh38, chr8:100,213,366, plus strand): 5'-GCGGGCAGGGCGCGGAGAACCCTGCCGGCCTGAAGAGCCAGGGCAACGAGCTGTTCCGAA[G>T]CGGGCAGTTCGCCGAGGCGGCCGGCAAGTACTCGGCGGCAATCGCGCTCCTGGAGCCAGC-3'
Protein context (NP_003105.2, residues 448-468): LKSQGNELFR[Ser458Ile]GQFAEAAGKY